The following is an entry in ClinVar:

ClinVar aggregate classification (germline): Likely benign. Review status: criteria provided, multiple submitters, no conflicts (2 of 4 stars). 2 submissions from 2 submitters: Likely benign (2). Last evaluated 2018-01-13.

Conditions:
Alpha-1-antitrypsin deficiency (A1ATD). Also called: AAT deficiency; A1AT deficiency; Alpha1-Antitrypsin Deficiency. Identifiers: Orphanet 60, MedGen C0221757, MONDO:0013282, OMIM 613490.

Allele frequency attached by ClinVar (database versions not stated): gnomAD 0.03970 and 0.03940; 1000 Genomes Project 30x 0.02904; 1000 Genomes Project 0.02895; TOPMed 0.03083; gnomAD exomes 0.02439.
gnomAD v4.1: 6,008 of 152,386 alleles (3.9%); highest among the groups gnomAD compares: Middle Eastern, 6.1%; 160 homozygotes.

Submissions (2):

Illumina Laboratory Services, Illumina
Classification: Likely benign for Alpha-1-antitrypsin deficiency. Last evaluated: 2018-01-13. Review status: criteria provided, single submitter. Criteria: ICSL Variant Classification Criteria 13 December 2019. Collection method: clinical testing. Allele origin: germline.
Comment: This variant was observed in the ICSL laboratory as part of a predisposition screen in an ostensibly healthy population. It had not been previously curated by ICSL or reported in the Human Gene Mutation Database (HGMD: prior to June 1st, 2018), and was therefore a candidate for classification through an automated scoring system. Utilizing variant allele frequency, disease prevalence and penetrance estimates, and inheritance mode, an automated score was calculated to assess if this variant is too frequent to cause the disease. Based on the score and internal cut-off values, a variant classified as likely benign is not then subjected to further curation. The score for this variant resulted in a classification of likely benign for this disease.

Breakthrough Genomics
Classification: Likely benign. Review status: criteria provided, single submitter. Criteria: ACMG Guidelines, 2015. Collection method: not provided. Allele origin: germline. Inheritance: Autosomal recessive inheritance. Affected: yes.

NM_000295.4(SERPINA1):c.-223A>G

Gene: SERPINA1 (serpin family A member 1; minus strand). Cytogenetic location: 14q32.13.
Variant type: single nucleotide variant.
Coding change: c.-223A>G on transcript NM_000295.4; 223 bases upstream of the start codon, A replaced by G.
Molecular consequence: intron variant (on NM_001002235.3).
Genome position (GRCh38, 1-based): chr14:94,388,778, T>C on the plus strand (A>G on the coding strand, the complement: SERPINA1 is on the minus strand). VCF-style: chr14-94388778-T-C. GRCh37 (hg19) VCF-style: chr14-94855115-T-C.
Other names: c.-5+1679A>G (NM_001002235.3); c.-105-118A>G (NM_001127707.2); c.-108-115A>G (NM_001127706.2, NM_001127702.2); c.-106+41A>G (NM_001127704.2); c.-109+41A>G (NM_001127703.2, NM_001127701.2); c.-106+23A>G (NM_001127705.2); c.-109+23A>G (NM_001002236.3); c.-5+1642A>G (NM_001127700.2).
Identifiers: ClinVar variation 315042 (VCV000315042.8), dbSNP rs55967149, ClinGen allele CA10641362.